The following is an entry in ClinVar:

ClinVar aggregate classification (germline): Uncertain significance (1 of 4 stars; one submission).

Conditions:
Cardiovascular phenotype. Identifiers: MedGen CN230736.

Submission:

Ambry Genetics
Classification: Uncertain significance for Cardiovascular phenotype. Last evaluated: 2024-02-05. Review status: criteria provided, single submitter. Criteria: Ambry Variant Classification Scheme 2023. Collection method: clinical testing. Allele origin: germline.
Comment: The c.830_831delTCinsAT variant (also known as p.L277H), located in coding exon 4 of the JUP gene, results from an in-frame deletion of TC and insertion of AT at nucleotide positions 830 to 831. This results in the substitution of the leucine residue for a histidine residue at codon 277, an amino acid with similar properties. This amino acid position is highly conserved in available vertebrate species. In addition, this alteration is predicted to be deleterious by in silico analysis (Choi Y et al. PLoS ONE. 2012; 7(10):e46688). Since supporting evidence is limited at this time, the clinical significance of this alteration remains unclear.

NM_002230.4(JUP):c.830_831delinsAT (p.Leu277His)

Gene: JUP (junction plakoglobin; minus strand). Cytogenetic location: 17q21.2.
Variant type: Indel.
Coding change: c.830_831delinsAT on transcript NM_002230.4 (MANE Select); coding-DNA positions 830 to 831, TC replaced by AT.
Protein change: p.Leu277His; replaces leucine 277 with histidine.
Molecular consequence: missense variant.
Genome position (GRCh38, 1-based): chr17:41,767,457-41,767,458, GA replaced by AT on the plus strand (TC replaced by AT on the coding strand, the reverse complement: JUP is on the minus strand). VCF-style: chr17-41767457-GA-AT. GRCh37 (hg19) VCF-style: chr17-39923709-GA-AT.
Other names: c.830_831delinsAT, p.Leu277His (NM_001352773.2, NM_001352774.2, NM_001352775.2 and 3 more transcripts); short protein forms L277H.
Identifiers: ClinVar variation 3222013 (VCV003222013.1), dbSNP rs2544160996, ClinGen allele CA2825002503.